The following is an entry in ClinVar:

ClinVar aggregate classification (germline): Uncertain significance (1 of 4 stars; one submission).

Conditions:
Generalized epilepsy-paroxysmal dyskinesia syndrome (PNKD3). Also called: Generalized epilepsy and paroxysmal dyskinesia; Paroxysmal nonkinesigenic dyskinesia, 3, with or without generalized epilepsy. Identifiers: Orphanet 79137, MedGen C5574945, MONDO:0012276, OMIM 609446.

gnomAD v4.1: 9 of 1,613,528 alleles (0.00056%); highest among the groups gnomAD compares: South Asian, 0.0033%; no homozygotes.

Submission:

Labcorp Genetics (formerly Invitae), Labcorp
Classification: Uncertain significance for Generalized epilepsy-paroxysmal dyskinesia syndrome. Last evaluated: 2022-05-14. Review status: criteria provided, single submitter. Criteria: Invitae Variant Classification Sherloc (09022015). Collection method: clinical testing. Allele origin: germline.
Comment: This sequence change replaces glycine, which is neutral and non-polar, with arginine, which is basic and polar, at codon 928 of the KCNMA1 protein (p.Gly928Arg). In summary, the available evidence is currently insufficient to determine the role of this variant in disease. Therefore, it has been classified as a Variant of Uncertain Significance. Algorithms developed to predict the effect of missense changes on protein structure and function are either unavailable or do not agree on the potential impact of this missense change (SIFT: "Deleterious"; PolyPhen-2: "Probably Damaging"; Align-GVGD: "Class C0"). This variant has not been reported in the literature in individuals affected with KCNMA1-related conditions. This variant is present in population databases (no rsID available, gnomAD 0.006%).

NM_001161352.2(KCNMA1):c.2956G>A (p.Gly986Arg)

Genes: KCNMA1 (potassium calcium-activated channel subfamily M alpha 1; minus strand), KCNMA1-AS1 (KCNMA1 antisense RNA 1; plus strand). Cytogenetic location: 10q22.3.
Variant type: single nucleotide variant.
Coding change: c.2956G>A on transcript NM_001161352.2 (MANE Select); coding-DNA position 2956, G replaced by A.
Protein change: p.Gly986Arg; replaces glycine 986 with arginine.
Molecular consequence: missense variant.
Genome position (GRCh38, 1-based): chr10:76,914,996, C>T on the plus strand (G>A on the coding strand, the complement: KCNMA1 is on the minus strand). VCF-style: chr10-76914996-C-T. GRCh37 (hg19) VCF-style: chr10-78674754-C-T.
Other names: c.2794G>A, p.Gly932Arg (NM_001014797.3, NM_001322835.2, NM_001322837.2); c.2905G>A, p.Gly969Arg (NM_001161353.2); c.2632G>A, p.Gly878Arg (NM_001271518.2); c.2791G>A, p.Gly931Arg (NM_001271519.2, NM_001322829.2, NM_001322836.2); c.2803G>A, p.Gly935Arg (NM_001322830.2); c.2782G>A, p.Gly928Arg (NM_001322832.2, NM_001410940.1, NM_002247.4); c.2329G>A, p.Gly777Arg (NM_001322838.2); short protein forms G935R, G969R, G928R, G931R, G986R, G777R, G878R, G932R.
Identifiers: ClinVar variation 1932369 (VCV001932369.5), dbSNP rs763598041, ClinGen allele CA377404358.